The following is an entry in ClinVar:

ClinVar aggregate classification (germline): Pathogenic (1 of 4 stars; one submission).

Submission:

Labcorp Genetics (formerly Invitae), Labcorp
Classification: Pathogenic. Last evaluated: 2023-01-31. Review status: criteria provided, single submitter. Criteria: Invitae Variant Classification Sherloc (09022015). Collection method: clinical testing. Allele origin: germline.
Comment: For these reasons, this variant has been classified as Pathogenic. Algorithms developed to predict the effect of sequence changes on RNA splicing suggest that this variant may create or strengthen a splice site. This variant has not been reported in the literature in individuals affected with TRIOBP-related conditions. This variant is not present in population databases (gnomAD no frequency). This sequence change creates a premature translational stop signal (p.Leu1767Argfs*61) in the TRIOBP gene. It is expected to result in an absent or disrupted protein product. Loss-of-function variants in TRIOBP are known to be pathogenic (PMID: 16385457, 16385458, 20510926).

Literature cited by the submitters: PubMed 16385457; PubMed 16385458; PubMed 20510926.

NM_001039141.3(TRIOBP):c.5300_5301del (p.Leu1767fs)

Gene: TRIOBP (TRIO and F-actin binding protein; plus strand). Cytogenetic location: 22q13.1.
Variant type: Deletion.
Coding change: c.5300_5301del on transcript NM_001039141.3 (MANE Select); coding-DNA positions 5300 to 5301, 2 bases deleted (TG; older notation c.5300_5301delTG).
Protein change: p.Leu1767fs; shifts the reading frame from leucine 1767.
Molecular consequence: frameshift variant.
Genome position (GRCh38, 1-based): chr22:37,741,010-37,741,011, TG deleted. VCF-style (leftmost placement, unchanged base first): chr22-37741009-CTG-C. GRCh37 (hg19) VCF-style: chr22-38137016-CTG-C.
Other names: short protein forms L1767fs.
Identifiers: ClinVar variation 2814660 (VCV002814660.3), dbSNP rs2518195149, ClinGen allele CA2739267967.